The following is an entry in ClinVar:

ClinVar aggregate classification (germline): Uncertain significance (1 of 4 stars; one submission).

gnomAD v4.1: 1 of 1,613,744 alleles (0.000062%); highest among the groups gnomAD compares: Non-Finnish European, 0.000085%; no homozygotes.

Submission:

Mayo Clinic Laboratories, Mayo Clinic
Classification: Uncertain significance. Last evaluated: 2024-03-22. Review status: criteria provided, single submitter. Criteria: ACMG Guidelines, 2015. Collection method: clinical testing. Allele origin: germline. Observed: 1 variant allele.
Comment: PM2

NM_001267550.2(TTN):c.4636A>G (p.Thr1546Ala)

Genes: TTN (titin; minus strand), LOC101927055 (uncharacterized LOC101927055; plus strand). Cytogenetic location: 2q31.2.
Variant type: single nucleotide variant.
Coding change: c.4636A>G on transcript NM_001267550.2 (MANE Select); coding-DNA position 4636, A replaced by G.
Protein change: p.Thr1546Ala; replaces threonine 1546 with alanine.
Molecular consequence: missense variant. On other transcripts: non-coding transcript variant (1).
Genome position (GRCh38, 1-based): chr2:178,777,429, T>C on the plus strand (A>G on the coding strand, the complement: TTN is on the minus strand). VCF-style: chr2-178777429-T-C. GRCh37 (hg19) VCF-style: chr2-179642156-T-C.
Other names: p.Thr1546Ala; c.4636A>G, p.Thr1546Ala (NM_001256850.1, NM_133378.4, NM_133379.5); c.4498A>G, p.Thr1500Ala (NM_003319.4, NM_133432.3, NM_133437.4); short protein forms T1500A, T1546A.
Identifiers: ClinVar variation 3379392 (VCV003379392.1).